The following is an entry in ClinVar:

NM_032193.4(RNASEH2C):c.463G>A (p.Ala155Thr)

Gene: RNASEH2C (ribonuclease H2 subunit C; minus strand). Cytogenetic location: 11q13.1.
Variant type: single nucleotide variant.
Coding change: c.463G>A on transcript NM_032193.4 (MANE Select); coding-DNA position 463, G replaced by A.
Protein change: p.Ala155Thr; replaces alanine 155 with threonine.
Molecular consequence: missense variant.
Genome position (GRCh38, 1-based): chr11:65,720,050, C>T on the plus strand (G>A on the coding strand, the complement: RNASEH2C is on the minus strand). VCF-style: chr11-65720050-C-T. GRCh37 (hg19) VCF-style: chr11-65487521-C-T.
Other names: short protein forms A155T.
Identifiers: ClinVar variation 948945 (VCV000948945.7), dbSNP rs757866333, ClinGen allele CA6107681.

ClinVar aggregate classification (germline): Uncertain significance (1 of 4 stars; one submission).

Conditions:
Aicardi-Goutieres syndrome 3. Identifiers: Orphanet 51, MedGen C1835916, MONDO:0012471, OMIM 610329.

Allele frequency attached by ClinVar (database versions not stated): gnomAD exomes below 0.00001 and 0.00001; ExAC 0.00001; gnomAD 0.00001; TOPMed 0.00001.
gnomAD v4.1: 10 of 1,613,520 alleles (0.00062%); highest among the groups gnomAD compares: Non-Finnish European, 0.00059%; no homozygotes.

Submission:

Labcorp Genetics (formerly Invitae), Labcorp
Classification: Uncertain significance for Aicardi-Goutieres syndrome 3. Last evaluated: 2021-09-01. Review status: criteria provided, single submitter. Criteria: Invitae Variant Classification Sherloc (09022015). Collection method: clinical testing. Allele origin: germline.
Comment: This sequence change replaces alanine with threonine at codon 155 of the RNASEH2C protein (p.Ala155Thr). The alanine residue is moderately conserved and there is a small physicochemical difference between alanine and threonine. This variant is present in population databases (rs757866333, ExAC 0.002%). This variant has not been reported in the literature in individuals affected with RNASEH2C-related conditions. Algorithms developed to predict the effect of missense changes on protein structure and function (SIFT, PolyPhen-2, Align-GVGD) all suggest that this variant is likely to be tolerated. In summary, the available evidence is currently insufficient to determine the role of this variant in disease. Therefore, it has been classified as a Variant of Uncertain Significance.